The following is an entry in ClinVar:

ClinVar aggregate classification (germline): Pathogenic (1 of 4 stars; one submission).

Conditions:
Andersen Tawil syndrome (LQT7). Also called: ANDERSEN CARDIODYSRHYTHMIC PERIODIC PARALYSIS; Andersen Syndrome; PERIODIC PARALYSIS, POTASSIUM-SENSITIVE CARDIODYSRHYTHMIC TYPE; LONG QT SYNDROME 7; Potassium-sensitive periodic paralysis, ventricular ectopy, and dysmorphic features. Identifiers: Orphanet 37553, MedGen C1563715, MONDO:0008222, OMIM 170390.
Short QT syndrome type 3. Identifiers: Orphanet 51083, MedGen C1865018, MONDO:0012314, OMIM 609622.

gnomAD v4.1: 1 of 1,614,222 alleles (0.000062%); no homozygotes.

Submission:

Labcorp Genetics (formerly Invitae), Labcorp
Classification: Pathogenic for Short QT syndrome type 3; Andersen Tawil syndrome. Last evaluated: 2024-04-17. Review status: criteria provided, single submitter. Criteria: Invitae Variant Classification Sherloc (09022015). Collection method: clinical testing. Allele origin: germline.
Comment: This sequence change creates a premature translational stop signal (p.Trp212*) in the KCNJ2 gene. While this is not anticipated to result in nonsense mediated decay, it is expected to disrupt the last 216 amino acid(s) of the KCNJ2 protein. This variant is not present in population databases (gnomAD no frequency). This variant has not been reported in the literature in individuals affected with KCNJ2-related conditions. ClinVar contains an entry for this variant (Variation ID: 1480008). Experimental studies and prediction algorithms are not available or were not evaluated, and the functional significance of this variant is currently unknown. This variant disrupts a region of the KCNJ2 protein in which other variant(s) (p.Ser369*) have been determined to be pathogenic (PMID: 21493816). This suggests that this is a clinically significant region of the protein, and that variants that disrupt it are likely to be disease-causing. For these reasons, this variant has been classified as Pathogenic.

Literature cited by the submitters: PubMed 21493816.

NM_000891.3(KCNJ2):c.636G>A (p.Trp212Ter)

Gene: KCNJ2 (potassium inwardly rectifying channel subfamily J member 2; plus strand). Cytogenetic location: 17q24.3.
Variant type: single nucleotide variant.
Coding change: c.636G>A on transcript NM_000891.3 (MANE Select); coding-DNA position 636, G replaced by A.
Protein change: p.Trp212Ter; replaces tryptophan 212 with a stop codon.
Molecular consequence: nonsense.
Genome position (GRCh38, 1-based): chr17:70,175,675, G>A. VCF-style: chr17-70175675-G-A. GRCh37 (hg19) VCF-style: chr17-68171816-G-A.
Other names: short protein forms W212*.
Identifiers: ClinVar variation 1480008 (VCV001480008.6), dbSNP rs2144377213, ClinGen allele CA400861398.